The following continues an entry in ClinVar:

NM_024577.4(SH3TC2):c.2860C>T (p.Arg954Ter)

Gene: SH3TC2. ClinVar aggregate classification (germline): Pathogenic/Likely pathogenic. Pathogenic (36); Likely pathogenic (3).

Submissions 14 to 24 of 50:

3billion
Classification: Pathogenic for Charcot-Marie-Tooth disease type 4C. Last evaluated: 2023-08-21. Review status: criteria provided, single submitter. Criteria: ACMG Guidelines, 2015. Collection method: clinical testing. Allele origin: germline. Affected: yes.
Comment: The variant is observed at an extremely low frequency in the gnomAD v2.1.1 dataset (total allele frequency: 0.073%). Predicted Consequence/Location: Stop-gained (nonsense): predicted to result in a loss or disruption of normal protein function through nonsense-mediated decay (NMD) or protein truncation. Multiple pathogenic variants are reported downstream of the variant. The variant has been reported to be in trans with a pathogenic variant as either compound heterozygous or homozygous in at least 4 similarly affected unrelated individuals (PMID: 27231023, 30653784, 31346473). The variant has been reported at least twice as pathogenic with clinical assertions and evidence for the classification (ClinVar ID: VCV000002482 /PMID: 14574644 /3billion dataset). Therefore, this variant is classified as Pathogenic according to the recommendation of ACMG/AMP guideline.

Mayo Clinic Laboratories, Mayo Clinic
Classification: Pathogenic. Last evaluated: 2023-08-18. Review status: criteria provided, single submitter. Criteria: ACMG Guidelines, 2015. Collection method: clinical testing. Allele origin: germline.

Ambry Genetics
Classification: Pathogenic for Inborn genetic diseases. Last evaluated: 2023-06-23. Review status: criteria provided, single submitter. Criteria: Ambry Variant Classification Scheme 2023. Collection method: clinical testing. Allele origin: germline.
Comment: The c.2860C>T (p.R954*) alteration, located in exon 11 (coding exon 11) of the SH3TC2 gene, consists of a C to T substitution at nucleotide position 2860. This changes the amino acid from a arginine (R) to a stop codon at amino acid position 954. Premature stop codons are typically deleterious in nature (Richards, 2015). Based on data from gnomAD, the T allele has an overall frequency of 0.073% (206/282718) total alleles studied. The highest observed frequency was 0.125% (9/7224) of Other alleles. This alteration has been reported either homozygous or compound heterozygous with another SH3TC2 variant in multiple individuals with Charcot-Marie-Tooth (CMT) disease and presenting with similar symptoms as the proband (Senderek, 2003; Lupski, 2010; Baets, 2011; H&oslash;yer, 2014; La&scaron;&scaron;uthov&aacute;, 2016). This mutation is reported to cause CMT1 in several different populations (H&oslash;yer, 2014). Based on the available evidence, this alteration is classified as pathogenic.

Women's Health and Genetics/Laboratory Corporation of America, LabCorp
Classification: Pathogenic for Charcot-Marie-Tooth disease type 4C. Last evaluated: 2023-06-07. Review status: criteria provided, single submitter. Criteria: LabCorp Variant Classification Summary - May 2015. Collection method: clinical testing. Allele origin: germline.
Comment: Variant summary: SH3TC2 c.2860C>T (p.Arg954X) results in a premature termination codon, predicted to cause absence of the protein due to nonsense mediated decay, which is a commonly known mechanism for disease. The variant allele was found at a frequency of 0.00075 in 251330 control chromosomes. c.2860C>T has been reported in the literature in many individuals affected with Charcot-Marie Disease Type 4C (e.g. Kontogeorgiou_2019), including individuals who were reported as compound heterozygous with another pathogenic variant. These report(s) suggest the variant is likely associated with disease. The following publication has been ascertained in the context of this evaluation (PMID: 30653784). 24 submitters have provided clinical-significance assessments for this variant to ClinVar after 2014, and classified it as pathogenic/likely pathogenic. Based on the evidence outlined above, the variant was classified as pathogenic.

Kariminejad - Najmabadi Pathology & Genetics Center
Classification: Pathogenic for Charcot-Marie-Tooth disease type 4C. Last evaluated: 2023-05-08. Review status: criteria provided, single submitter. Criteria: ACMG Guidelines, 2015. Collection method: clinical testing. Allele origin: germline. Inheritance: Autosomal recessive inheritance. Affected: yes. Observed: 2 variant alleles.
Comment: PVS1(VS),PP5(S),PM2(Sup)

Victorian Clinical Genetics Services, Murdoch Childrens Research Institute
Classification: Pathogenic for Charcot-Marie-Tooth disease type 4C. Last evaluated: 2022-09-02. Review status: criteria provided, single submitter. Criteria: ACMG Guidelines, 2015. Collection method: clinical testing. Allele origin: germline. Inheritance: Autosomal recessive inheritance. Affected: yes.
Comment: Based on the classification scheme VCGS_Germline_v1.3.4, this variant is classified as Pathogenic. Following criteria are met: 0102 - Loss of function is a known mechanism of disease in this gene and is associated with Charcot-Marie-Tooth disease, type 4C (CMT) (MIM#601596). The mechanism of disease for mild mononeuropathy of the median nerve (MIM#613353) is unknown however, gain of function has been suggested (PMID: 20220177). (I) 0108 - This gene is associated with both recessive and dominant disease. CMT is caused by biallelic variants, while autosomal dominant mild mononeuropathy of the median nerve is rare and has been reported in one family (OMIM, PMID: 20220177). (I) 0201 - Variant is predicted to cause nonsense-mediated decay (NMD) and loss of protein (premature termination codon is located at least 54 nucleotides upstream of the final exon-exon junction). (SP) 0252 - This variant is homozygous. (I) 0304 - Variant is present in gnomAD (v2) <0.01 for a recessive condition (206 heterozygotes, 0 homozygotes). (SP) 0701 - Other NMD-predicted variants comparable to the one identified in this case have very strong previous evidence for pathogenicity. These variants have been reported in patients with neuromuscular disease (DECIPHER, PMID: 32153140). (SP) 0801 - This variant has strong previous evidence of pathogenicity in unrelated individuals. This variant has been reported in many homozygous and compound heterozygous patients with CMT, or rarely with a demyelinating neuropathy with hearing loss (ClinVar, PMID: 31393079). This variant has also been reported in several heterozygous carriers with very mild median nerve mononeuropathy, however more evidence is required to establish this genotype-phenotype association (PMID: 20220177). (SP) 1208 - Inheritance information for this variant is not currently available in this individual. (I) Legend: (SP) - Supporting pathogenic, (I) - Information, (SB) - Supporting benign

MGZ Medical Genetics Center
Classification: Pathogenic for Charcot-Marie-Tooth disease type 4C. Last evaluated: 2022-07-19. Review status: criteria provided, single submitter. Criteria: ACMG Guidelines, 2015. Collection method: clinical testing. Allele origin: germline. Affected: yes. Observed: 1 variant allele.
Comment: ACMG criteria applied: PVS1, PM3_STR, PS4_MOD, PP1

Clinical Genetics Laboratory, Skane University Hospital Lund
Classification: Pathogenic. Last evaluated: 2022-07-13. Review status: criteria provided, single submitter. Criteria: ACMG Guidelines, 2015. Collection method: clinical testing. Allele origin: germline. Affected: yes.

Laboratory of Medical Genetics, National & Kapodistrian University of Athens
Classification: Pathogenic for Charcot-Marie-Tooth disease type 4C. Last evaluated: 2022-02-22. Review status: criteria provided, single submitter. Criteria: ACMG Guidelines, 2015. Collection method: clinical testing. Allele origin: germline. Affected: yes.
Comment: PVS1, PM2, PM3, PP5

Genetics and Molecular Pathology, SA Pathology
Classification: Pathogenic for Charcot-Marie-Tooth disease type 4C. Last evaluated: 2022-02-08. Review status: criteria provided, single submitter. Criteria: ACMG Guidelines, 2015. Collection method: clinical testing. Allele origin: germline. Inheritance: Autosomal recessive inheritance. Affected: yes.
Comment: The SH3TC2 c.2860C>T variant is classified as PATHOGENIC (PVS1, PS4, PM3, PP1) The SH3TC2 c.2860C>T variant is a single nucleotide change which is predicted to result in premature termination of the protein product at codon 954 (PVS1). This recurrent variant has been previously reported in both homozygous state or as compound heterozygotes with another pathogenic variant in SH3TC2 in patients with CMT4C (PMID:14574644, 20220177) (PS4, PM3). This variant has been reported to co-segregate with disease (PMID:25737037) (PP1). this variant has been reported in dbSNP (rs80338933) and has been reported in population databases (gnomAD 98/152176, no homozygotes). This variant has been reported in ClinVar as pathogenic for CMT4C by multiple other diagnostic laboratories (ClinVar Variation ID:2482) and is damaging in HGMD for CMT4C (CM033084).

Dasa
Classification: Pathogenic for Susceptibility to mononeuropathy of the median nerve, mild. Last evaluated: 2022-01-05. Review status: criteria provided, single submitter. Criteria: ACMG Guidelines, 2015. Collection method: clinical testing. Allele origin: germline. Affected: yes. Observed: 1 variant allele.
Comment: The c.2860C>T;p.(Arg954*) variant creates a premature translational stop signal in the SH3TC2 gene. It is expected to result in an absent or disrupted protein product -PVS1. This sequence change has been observed in affected individual(s) and ClinVar contains an entry for this variant(Clinvar ID: 2482; PMID: 31346473; 30653784; 27231023; 25737037; 25326637; 25025039; 23806086) - PS4. The p.(Arg954*) was detected in trans with a pathogenic variant (PMID: 31346473; 30653784; 27231023; PMID: 25737037; 25326637; 25025039; 23806086) - PM3_strong. The variant co-segregated with disease in multiple affected family members (PMID: 25737037; 23806086) - PP1_strong and is allele frequency is greater than expected for disorder - BS1. In summary, the currently available evidence indicates that the variant is pathogenic.